The following is an entry in ClinVar:

ClinVar aggregate classification (germline): Likely pathogenic. Review status: reviewed by expert panel (3 of 4 stars). 2 submissions from 2 submitters: Likely pathogenic (1). 1 of the submissions does not count toward it. Last evaluated 2024-08-27.

Conditions:
Alpha-actinopathy. Also called: Actinopathy. Identifiers: MedGen CN295279, MONDO:0100084.
Actin accumulation myopathy (CMYO2A). Also called: CONGENITAL MYOPATHY 2A, TYPICAL, AUTOSOMAL DOMINANT; Myopathy, actin, congenital, with cores; Nemaline myopathy 3, with intranuclear rods; Nemaline myopathy type 3; Myopathy, actin, congenital, with excess of thin myofilaments. Identifiers: Orphanet 98904, MedGen C3711389, MONDO:0008070, OMIM 161800.

Submissions (2):

ClinGen Congenital Myopathies Variant Curation Expert Panel, ClinGen
Classification: Likely pathogenic for Alpha-actinopathy. Last evaluated: 2024-08-27. Review status: reviewed by expert panel. Criteria: ClinGen CongenMyopathy ACMG Specifications ACTA1_AD_ V2.0.0. Collection method: curation. Allele origin: germline. Inheritance: Autosomal dominant inheritance.
Comment: The variant NM_001100.3:c.1054T>C in ACTA1 is a missense variant predicted to cause substitution of serine by proline at amino acid 352 (p.Ser352Pro). The variant is absent from gnomAD v4.1.0 (PM2_Supporting). The REVEL computational prediction analysis tool produced a score of 0.942, which is above the threshold necessary to apply PP3. ACTA1, in which the variant was identified, is defined by the ClinGen Congenital Myopathies VCEP as a gene that has a low rate of benign missense variation and where pathogenic missense variants are a common mechanism of disease (PP2). There is no published data on this variant, however Invitae has reported the variant in three unrelated probands, two of which presented with hypotonia (PS4_Supporting; SCV000638354.5). In addition, one of these probands had a de novo occurrence of the variant with parental relationships unconfirmed (PM6). In summary, the variant meets the criteria to be classified as likely pathogenic for autosomal dominant alpha-actinopathy. ACMG/AMP criteria met, as specified by the congenital myopathies VCEP: PM2_Supporting, PP2, PP3, PS4_Supporting, PM6 (ClinGen Congenital Myopathies VCEP specifications version 2; 08/27/2024).

Labcorp Genetics (formerly Invitae), Labcorp
Classification: Pathogenic for Actin accumulation myopathy. Last evaluated: 2022-06-13. Review status: criteria provided, single submitter. Criteria: Invitae Variant Classification Sherloc (09022015). Collection method: clinical testing. Allele origin: germline. Not counted in ClinVar's aggregate classification.
Comment: This missense change has been observed in individual(s) with congenital myopathy (Invitae). In at least one individual the variant was observed to be de novo. This variant is not present in population databases (gnomAD no frequency). This sequence change replaces serine, which is neutral and polar, with proline, which is neutral and non-polar, at codon 352 of the ACTA1 protein (p.Ser352Pro). ClinVar contains an entry for this variant (Variation ID: 464113). For these reasons, this variant has been classified as Pathogenic. Advanced modeling of protein sequence and biophysical properties (such as structural, functional, and spatial information, amino acid conservation, physicochemical variation, residue mobility, and thermodynamic stability) performed at Invitae indicates that this missense variant is expected to disrupt ACTA1 protein function.

NM_001100.4(ACTA1):c.1054T>C (p.Ser352Pro)

Gene: ACTA1 (actin alpha 1, skeletal muscle; minus strand). Cytogenetic location: 1q42.13.
Variant type: single nucleotide variant.
Coding change: c.1054T>C on transcript NM_001100.4 (MANE Select); coding-DNA position 1054, T replaced by C.
Protein change: p.Ser352Pro; replaces serine 352 with proline.
Molecular consequence: missense variant.
Genome position (GRCh38, 1-based): chr1:229,431,579, A>G on the plus strand (T>C on the coding strand, the complement: ACTA1 is on the minus strand). VCF-style: chr1-229431579-A-G. GRCh37 (hg19) VCF-style: chr1-229567326-A-G.
Other names: NM_001100.4(ACTA1):c.1054T>C; p.Ser352Pro; short protein forms S352P.
Identifiers: ClinVar variation 464113 (VCV000464113.13), dbSNP rs1553255301, ClinGen allele CA345144596.
Genomic context (GRCh38, chr1:229,431,579, plus strand): 5'-CGATGGAAGGGCCGGCCTCGTCGTACTCCTGCTTGGTGATCCACATCTGCTGGAAGGTGG[A>G]CAGCGAGGCCAGGATGGAGCCGCCGATCCACACCGAGTATTTGCGCTCCGGCGGGGCGAT-3'
Protein context (NP_001091.1, residues 342-362): WIGGSILASL[Ser352Pro]TFQQMWITKQ